The following is an entry in ClinVar:

ClinVar aggregate classification (germline): Uncertain significance. Review status: criteria provided, multiple submitters, no conflicts (2 of 4 stars). 2 submissions from 2 submitters: Uncertain significance (2). Last evaluated 2023-05-23.

Allele frequency attached by ClinVar (database versions not stated): gnomAD exomes below 0.00001; ExAC 0.00001; TOPMed 0.00001.

Submissions (2):

Labcorp Genetics (formerly Invitae), Labcorp
Classification: Uncertain significance. Last evaluated: 2023-05-23. Review status: criteria provided, single submitter. Criteria: Invitae Variant Classification Sherloc (09022015). Collection method: clinical testing. Allele origin: germline.
Comment: In summary, the available evidence is currently insufficient to determine the role of this variant in disease. Therefore, it has been classified as a Variant of Uncertain Significance. Algorithms developed to predict the effect of sequence changes on RNA splicing suggest that this variant may create or strengthen a splice site. Advanced modeling of protein sequence and biophysical properties (such as structural, functional, and spatial information, amino acid conservation, physicochemical variation, residue mobility, and thermodynamic stability) has been performed at Invitae for this missense variant, however the output from this modeling did not meet the statistical confidence thresholds required to predict the impact of this variant on ADGRV1 protein function. ClinVar contains an entry for this variant (Variation ID: 1379159). This variant has not been reported in the literature in individuals affected with ADGRV1-related conditions. This variant is not present in population databases (gnomAD no frequency). This sequence change replaces arginine, which is basic and polar, with glutamine, which is neutral and polar, at codon 679 of the ADGRV1 protein (p.Arg679Gln).

Blueprint Genetics
Classification: Uncertain significance. Last evaluated: 2022-08-11. Review status: criteria provided, single submitter. Criteria: ACMG Guidelines, 2015. Collection method: clinical testing. Allele origin: germline.

NM_032119.4(ADGRV1):c.2036G>A (p.Arg679Gln)

Gene: ADGRV1 (adhesion G protein-coupled receptor V1; plus strand). Cytogenetic location: 5q14.3.
Variant type: single nucleotide variant.
Coding change: c.2036G>A on transcript NM_032119.4 (MANE Select); coding-DNA position 2036, G replaced by A.
Protein change: p.Arg679Gln; replaces arginine 679 with glutamine.
Molecular consequence: missense variant. On other transcripts: non-coding transcript variant (1).
Genome position (GRCh38, 1-based): chr5:90,637,744, G>A. VCF-style: chr5-90637744-G-A. GRCh37 (hg19) VCF-style: chr5-89933561-G-A.
Other names: short protein forms R679Q.
Identifiers: ClinVar variation 1379159 (VCV001379159.9), dbSNP rs766036924, ClinGen allele CA3338819.